The following is an entry in ClinVar:

NM_017514.5(PLXNA3):c.5451C>T (p.His1817=)

Gene: PLXNA3 (plexin A3; plus strand). Cytogenetic location: Xq28.
Variant type: single nucleotide variant.
Coding change: c.5451C>T on transcript NM_017514.5 (MANE Select); coding-DNA position 5451, C replaced by T.
Protein change: p.His1817=; no amino-acid change (histidine 1817 retained).
Molecular consequence: synonymous variant.
Genome position (GRCh38, 1-based): chrX:154,471,569, C>T. VCF-style: chrX-154471569-C-T. GRCh37 (hg19) VCF-style: chrX-153699912-C-T.
Identifiers: ClinVar variation 3046471 (VCV003046471.2), dbSNP rs374284684, ClinGen allele CA10565125.

ClinVar aggregate classification (germline): Likely benign (0 of 4 stars; one submission).

Conditions:
PLXNA3-related disorder. Also called: PLXNA3-related condition.

Allele frequency attached by ClinVar (database versions not stated): TOPMed 0.00003; gnomAD 0.00004; gnomAD exomes 0.00004; ExAC 0.00012; 1000 Genomes Project 30x 0.00042; 1000 Genomes Project 0.00053.

Submission:

PreventionGenetics, part of Exact Sciences
Classification: Likely benign for PLXNA3-related condition. Last evaluated: 2021-10-28. Review status: no assertion criteria provided. Collection method: clinical testing. Allele origin: germline.
Comment: This variant is classified as likely benign based on ACMG/AMP sequence variant interpretation guidelines (Richards et al. 2015 PMID: 25741868, with internal and published modifications).